The following is an entry in ClinVar:

NM_021008.4(DEAF1):c.613G>C (p.Val205Leu)

Gene: DEAF1 (DEAF1 transcription factor; minus strand). Cytogenetic location: 11p15.5.
Variant type: single nucleotide variant.
Coding change: c.613G>C on transcript NM_021008.4 (MANE Select); coding-DNA position 613, G replaced by C.
Protein change: p.Val205Leu; replaces valine 205 with leucine.
Molecular consequence: missense variant. On other transcripts: 5 prime UTR variant (1).
Genome position (GRCh38, 1-based): chr11:687,962, C>G on the plus strand (G>C on the coding strand, the complement: DEAF1 is on the minus strand). VCF-style: chr11-687962-C-G. GRCh37 (hg19) VCF-style: chr11-687962-C-G.
Other names: c.613G>C, p.Val205Leu (NM_001293634.2); c.-114G>C (NM_001367390.1); short protein forms V205L.
Identifiers: ClinVar variation 1297022 (VCV001297022.1), dbSNP rs893284652, ClinGen allele CA378933523.
Genomic context (GRCh38, chr11:687,962, plus strand): 5'-AGTCCTCACCTGAGCCGAGCCTGTTCTTGTACAGAGTGCCGCTGATGTTCCGGCACCGTA[C>G]GGGCAGCTCACTGTCGTACACAGAAGGGTCCCAGTTGTATTTAGTTCCACCTTTTTCTTG-3'
Protein context (NP_066288.2, residues 195-215): DPSVYDSELP[Val205Leu]RCRNISGTLY

ClinVar aggregate classification (germline): Likely pathogenic (1 of 4 stars; one submission).

Conditions:
Intellectual disability, autosomal dominant 24 (VSVS). Also called: VULTO-VAN SILFHOUT-DE VRIES SYNDROME. Identifiers: MedGen C4014414, MONDO:0014357, OMIM 615828.

Submission:

Institute of Human Genetics, University of Leipzig Medical Center
Classification: Likely pathogenic for Intellectual disability, autosomal dominant 24. Last evaluated: 2021-06-28. Review status: criteria provided, single submitter. Criteria: ACMG Guidelines, 2015. Collection method: clinical testing. Allele origin: de novo. Affected: yes.
Comment: This variant was identified as de novo (maternity and paternity confirmed).